The following is an entry in ClinVar:

ClinVar aggregate classification (germline): Uncertain significance (1 of 4 stars; one submission).

Conditions:
Early-infantile DEE. Also called: Ohtahara syndrome; Early infantile epileptic encephalopathy; Early infantile epileptic encephalopathy with suppression bursts. Identifiers: Orphanet 1934, MedGen C0393706, MONDO:0800491.

Allele frequency attached by ClinVar (database versions not stated): gnomAD exomes below 0.00001.
gnomAD v4.1: 5 of 1,614,202 alleles (0.00031%); highest among the groups gnomAD compares: African/African-American, 0.0013%; no homozygotes.

Submission:

Labcorp Genetics (formerly Invitae), Labcorp
Classification: Uncertain significance for Early-infantile DEE. Last evaluated: 2022-09-07. Review status: criteria provided, single submitter. Criteria: Invitae Variant Classification Sherloc (09022015). Collection method: clinical testing. Allele origin: germline.
Comment: ClinVar contains an entry for this variant (Variation ID: 1482472). This variant has not been reported in the literature in individuals affected with SPTAN1-related conditions. This variant is present in population databases (no rsID available, gnomAD no frequency). This sequence change replaces arginine, which is basic and polar, with histidine, which is basic and polar, at codon 37 of the SPTAN1 protein (p.Arg37His). Algorithms developed to predict the effect of missense changes on protein structure and function (SIFT, PolyPhen-2, Align-GVGD) all suggest that this variant is likely to be disruptive. In summary, the available evidence is currently insufficient to determine the role of this variant in disease. Therefore, it has been classified as a Variant of Uncertain Significance.

NM_001130438.3(SPTAN1):c.110G>A (p.Arg37His)

Gene: SPTAN1 (spectrin alpha, non-erythrocytic 1; plus strand). Cytogenetic location: 9q34.11.
Variant type: single nucleotide variant.
Coding change: c.110G>A on transcript NM_001130438.3 (MANE Select); coding-DNA position 110, G replaced by A.
Protein change: p.Arg37His; replaces arginine 37 with histidine.
Molecular consequence: missense variant.
Genome position (GRCh38, 1-based): chr9:128,566,850, G>A. VCF-style: chr9-128566850-G-A. GRCh37 (hg19) VCF-style: chr9-131329129-G-A.
Other names: c.110G>A, p.Arg37His (NM_001195532.2, NM_001363759.2, NM_001363765.2 and 5 more transcripts); c.146G>A, p.Arg49His (NM_001375312.2, NM_001375318.1); short protein forms R49H, R37H.
Identifiers: ClinVar variation 1482472 (VCV001482472.7), dbSNP rs1325381089, ClinGen allele CA375049634.